The following is an entry in ClinVar:

NM_003590.5(CUL3):c.1893dup (p.Gln632fs)

Gene: CUL3 (cullin 3; minus strand). Cytogenetic location: 2q36.2.
Variant type: Duplication.
Coding change: c.1893dup on transcript NM_003590.5 (MANE Select); coding-DNA position 1893, one base duplicated (A; older notation c.1893dupA).
Protein change: p.Gln632fs; shifts the reading frame from glutamine 632.
Molecular consequence: frameshift variant.
Genome position (GRCh38, 1-based): chr2:224,482,028, T duplicated on the plus strand (A on the coding strand, the reverse complement: CUL3 is on the minus strand). VCF-style (leftmost placement, unchanged base first): chr2-224482027-G-GT. GRCh37 (hg19) VCF-style: chr2-225346744-G-GT.
Other names: c.1695dup, p.Gln566fs (NM_001257197.2); c.1911dup, p.Gln638fs (NM_001257198.2); short protein forms Q566fs, Q638fs, Q632fs.
Identifiers: ClinVar variation 2013975 (VCV002013975.4), dbSNP rs2469919171, ClinGen allele CA2580065809.

ClinVar aggregate classification (germline): Pathogenic (1 of 4 stars; one submission).

Submission:

Labcorp Genetics (formerly Invitae), Labcorp
Classification: Pathogenic. Last evaluated: 2023-08-30. Review status: criteria provided, single submitter. Criteria: Invitae Variant Classification Sherloc (09022015). Collection method: clinical testing. Allele origin: germline.
Comment: For these reasons, this variant has been classified as Pathogenic. ClinVar contains an entry for this variant (Variation ID: 2013975). This variant has not been reported in the literature in individuals affected with CUL3-related conditions. This variant is not present in population databases (gnomAD no frequency). This sequence change creates a premature translational stop signal (p.Gln632Thrfs*7) in the CUL3 gene. It is expected to result in an absent or disrupted protein product. Loss-of-function variants in CUL3 are known to be pathogenic (PMID: 32341456).

Literature cited by the submitters: PubMed 32341456.